The following is an entry in ClinVar:

NM_001384317.1(ZHX3):c.2375A>G (p.Gln792Arg)

Gene: ZHX3 (zinc fingers and homeoboxes 3; minus strand). Cytogenetic location: 20q12.
Variant type: single nucleotide variant.
Coding change: c.2375A>G on transcript NM_001384317.1 (MANE Select); coding-DNA position 2375, A replaced by G.
Protein change: p.Gln792Arg; replaces glutamine 792 with arginine.
Molecular consequence: missense variant.
Genome position (GRCh38, 1-based): chr20:41,202,542, T>C on the plus strand (A>G on the coding strand, the complement: ZHX3 is on the minus strand). VCF-style: chr20-41202542-T-C. GRCh37 (hg19) VCF-style: chr20-39831182-T-C.
Other names: c.2375A>G, p.Gln792Arg (NM_001384315.1, NM_001384316.1, NM_001384318.1 and 8 more transcripts); short protein forms Q792R.
Identifiers: ClinVar variation 3616052 (VCV003616052.2).

ClinVar aggregate classification (germline): Uncertain significance (1 of 4 stars; one submission).

gnomAD v4.1: 1 of 1,614,148 alleles (0.000062%); highest among the groups gnomAD compares: Admixed American, 0.0017%; no homozygotes.

Submission:

Labcorp Genetics (formerly Invitae), Labcorp
Classification: Uncertain significance. Last evaluated: 2024-05-23. Review status: criteria provided, single submitter. Criteria: Invitae Variant Classification Sherloc (09022015). Collection method: clinical testing. Allele origin: germline.
Comment: This sequence change replaces glutamine, which is neutral and polar, with arginine, which is basic and polar, at codon 792 of the ZHX3 protein (p.Gln792Arg). This variant is not present in population databases (gnomAD no frequency). This variant has not been reported in the literature in individuals affected with ZHX3-related conditions. An algorithm developed to predict the effect of missense changes on protein structure and function (PolyPhen-2) suggests that this variant is likely to be tolerated. In summary, the available evidence is currently insufficient to determine the role of this variant in disease. Therefore, it has been classified as a Variant of Uncertain Significance.